The following is an entry in ClinVar:

ClinVar aggregate classification (germline): Pathogenic (1 of 4 stars; one submission).

Allele frequency attached by ClinVar (database versions not stated): TOPMed below 0.00001; gnomAD 0.00001; ExAC 0.00002.
gnomAD v4.1: 4 of 1,613,996 alleles (0.00025%); highest among the groups gnomAD compares: African/African-American, 0.0027%; no homozygotes.

Submission:

Labcorp Genetics (formerly Invitae), Labcorp
Classification: Pathogenic. Last evaluated: 2023-11-22. Review status: criteria provided, single submitter. Criteria: Invitae Variant Classification Sherloc (09022015). Collection method: clinical testing. Allele origin: germline.
Comment: This sequence change creates a premature translational stop signal (p.Arg927*) in the ADCY10 gene. It is expected to result in an absent or disrupted protein product. Loss-of-function variants in ADCY10 are known to be pathogenic (PMID: 31119281). This variant is present in population databases (rs747681588, gnomAD 0.007%). This variant has not been reported in the literature in individuals affected with ADCY10-related conditions. ClinVar contains an entry for this variant (Variation ID: 1942986). For these reasons, this variant has been classified as Pathogenic.

Literature cited by the submitters: PubMed 31119281.

NM_018417.6(ADCY10):c.2779C>T (p.Arg927Ter)

Gene: ADCY10 (adenylate cyclase 10; minus strand). Cytogenetic location: 1q24.2.
Variant type: single nucleotide variant.
Coding change: c.2779C>T on transcript NM_018417.6 (MANE Select); coding-DNA position 2779, C replaced by T.
Protein change: p.Arg927Ter; replaces arginine 927 with a stop codon.
Molecular consequence: nonsense.
Genome position (GRCh38, 1-based): chr1:167,845,791, G>A on the plus strand (C>T on the coding strand, the complement: ADCY10 is on the minus strand). VCF-style: chr1-167845791-G-A. GRCh37 (hg19) VCF-style: chr1-167815029-G-A.
Other names: c.2320C>T, p.Arg774Ter (NM_001167749.3); c.2503C>T, p.Arg835Ter (NM_001297772.2); short protein forms R835*, R774*, R927*.
Identifiers: ClinVar variation 1942986 (VCV001942986.5), dbSNP rs747681588, ClinGen allele CA1227552.